The following is an entry in ClinVar:

NM_022455.5(NSD1):c.3230C>G (p.Ser1077Ter)

Gene: NSD1 (nuclear receptor binding SET domain protein 1; plus strand). Cytogenetic location: 5q35.3.
Variant type: single nucleotide variant.
Coding change: c.3230C>G on transcript NM_022455.5 (MANE Select); coding-DNA position 3230, C replaced by G.
Protein change: p.Ser1077Ter; replaces serine 1077 with a stop codon.
Molecular consequence: nonsense.
Genome position (GRCh38, 1-based): chr5:177,211,629, C>G. VCF-style: chr5-177211629-C-G. GRCh37 (hg19) VCF-style: chr5-176638630-C-G.
Other names: c.2357C>G, p.Ser786Ter (NM_001365684.2, NM_001409306.1, NM_001409307.1 and 3 more transcripts); c.3230C>G, p.Ser1077Ter (NM_001409301.1, NM_001409302.1, NM_001409303.1); c.2810C>G, p.Ser937Ter (NM_001409304.1); c.2477C>G, p.Ser826Ter (NM_001409305.1); short protein forms S1077*, S808*, S937*, S786*, S826*.
Identifiers: ClinVar variation 419395 (VCV000419395.3), dbSNP rs1064793843, ClinGen allele CA16618171.

ClinVar aggregate classification (germline): Pathogenic. Review status: criteria provided, multiple submitters, no conflicts (2 of 4 stars). 2 submissions from 2 submitters: Pathogenic (2). Last evaluated 2025-10-12.

Submissions (2):

Labcorp Genetics (formerly Invitae), Labcorp
Classification: Pathogenic. Last evaluated: 2025-10-12. Review status: criteria provided, single submitter. Criteria: Invitae Variant Classification Sherloc (09022015). Collection method: clinical testing. Allele origin: germline.
Comment: This sequence change creates a premature translational stop signal (p.Ser1077*) in the NSD1 gene. It is expected to result in an absent or disrupted protein product. Loss-of-function variants in NSD1 are known to be pathogenic (PMID: 12464997, 14571271, 15942875, 16247291). This variant is not present in population databases (gnomAD no frequency). This variant has not been reported in the literature in individuals affected with NSD1-related conditions. ClinVar contains an entry for this variant (Variation ID: 419395). For these reasons, this variant has been classified as Pathogenic.

GeneDx
Classification: Pathogenic. Last evaluated: 2015-07-28. Review status: criteria provided, single submitter. Criteria: GeneDx Variant Classification (06012015). Collection method: clinical testing. Allele origin: germline. Affected: yes.
Comment: The S1077X nonsense variant in the NSD1 gene is predicted to cause loss of normal protein function either through protein truncation or nonsense-mediated mRNA decay. Although this variant has not been reported previously to our knowledge, we consider it to be pathogenic.

Literature cited by the submitters: PubMed 12464997 (cited by Labcorp Genetics (formerly Invitae), Labcorp); PubMed 14571271 (cited by Labcorp Genetics (formerly Invitae), Labcorp); PubMed 15942875 (cited by Labcorp Genetics (formerly Invitae), Labcorp); PubMed 16247291 (cited by Labcorp Genetics (formerly Invitae), Labcorp).